The following is an entry in ClinVar:

NM_000264.5(PTCH1):c.*3157G>A

Gene: PTCH1 (patched 1; minus strand). Cytogenetic location: 9q22.32.
Variant type: single nucleotide variant.
Coding change: c.*3157G>A on transcript NM_000264.5 (MANE Select); 3157 bases downstream of the stop codon, G replaced by A.
Molecular consequence: 3 prime UTR variant. On other transcripts: non-coding transcript variant (1).
Genome position (GRCh38, 1-based): chr9:95,443,236, C>T on the plus strand (G>A on the coding strand, the complement: PTCH1 is on the minus strand). VCF-style: chr9-95443236-C-T. GRCh37 (hg19) VCF-style: chr9-98205518-C-T.
Other names: c.*3157G>A (NM_001083602.3, NM_001083603.3, NM_001083604.3 and 4 more transcripts).
Identifiers: ClinVar variation 367621 (VCV000367621.5), dbSNP rs118174136, ClinGen allele CA10630633.

ClinVar aggregate classification (germline): Benign. Review status: criteria provided, single submitter (1 of 4 stars). 2 submissions from 1 submitter: Benign (2). Last evaluated 2018-01-12.

Conditions:
Holoprosencephaly 7 (HPE7). Identifiers: Orphanet 2162, MedGen C1835820, MONDO:0012562, OMIM 610828.
Gorlin syndrome. Also called: Basal cell nevus syndrome; Nevoid Basal Cell Carcinoma Syndrome. Identifiers: Orphanet 377, MedGen C0004779, MONDO:0007187.

Allele frequency attached by ClinVar (database versions not stated): TOPMed 0.00594; gnomAD 0.00628 and 0.00697; 1000 Genomes Project 0.00899; 1000 Genomes Project 30x 0.00921.

Submissions (2):

Illumina Laboratory Services, Illumina
Classification: Benign for Holoprosencephaly 7. Last evaluated: 2018-01-12. Review status: criteria provided, single submitter. Criteria: ICSL Variant Classification Criteria 13 December 2019. Collection method: clinical testing. Allele origin: germline.
Comment: This variant was observed in the ICSL laboratory as part of a predisposition screen in an ostensibly healthy population. It had not been previously curated by ICSL or reported in the Human Gene Mutation Database (HGMD: prior to June 1st, 2018), and was therefore a candidate for classification through an automated scoring system. Utilizing variant allele frequency, disease prevalence and penetrance estimates, and inheritance mode, an automated score was calculated to assess if this variant is too frequent to cause the disease. Based on the score and internal cut-off values, a variant classified as benign is not then subjected to further curation. The score for this variant resulted in a classification of benign for this disease.

Illumina Laboratory Services, Illumina
Classification: Benign for Basal cell nevus syndrome 1. Last evaluated: 2018-01-12. Review status: criteria provided, single submitter. Criteria: ICSL Variant Classification Criteria 13 December 2019. Collection method: clinical testing. Allele origin: germline.
Comment: the same text as in the submission from Illumina Laboratory Services, Illumina above.